The following is an entry in ClinVar:

ClinVar aggregate classification (germline): Uncertain significance (1 of 4 stars; one submission).

Conditions:
Juvenile polyposis syndrome (JPS). Identifiers: Orphanet 2929, MedGen C0345893, MONDO:0017380, OMIM 174900.

Submission:

Labcorp Genetics (formerly Invitae), Labcorp
Classification: Uncertain significance for Juvenile polyposis syndrome. Last evaluated: 2023-09-30. Review status: criteria provided, single submitter. Criteria: Invitae Variant Classification Sherloc (09022015). Collection method: clinical testing. Allele origin: germline.
Comment: This variant results in a copy number gain of the genomic region encompassing exon(s) 6-13 of the BMPR1A gene. This region includes the termination codon of the gene. This copy number gain extends beyond the assayed region for this gene and therefore may encompass additional genes. As the precise location of this event is unknown, it may be in tandem or it may be located elsewhere in the genome. This variant has not been reported in the literature in individuals affected with BMPR1A-related conditions. In summary, the available evidence is currently insufficient to determine the role of this variant in disease. Therefore, it has been classified as a Variant of Uncertain Significance.

NC_000010.10:g.(?_88659541)_(88683476_?)dup

Gene: BMPR1A (bone morphogenetic protein receptor type 1A; plus strand). Cytogenetic location: 10q23.2.
Variant type: Duplication.
Identifiers: ClinVar variation 1020165 (VCV001020165.6).